The following is an entry in ClinVar:

NM_001080453.3(INTS1):c.6058G>A (p.Glu2020Lys)

Gene: INTS1 (integrator complex subunit 1; minus strand). Cytogenetic location: 7p22.3.
Variant type: single nucleotide variant.
Coding change: c.6058G>A on transcript NM_001080453.3 (MANE Select); coding-DNA position 6058, G replaced by A.
Protein change: p.Glu2020Lys; replaces glutamic acid 2020 with lysine.
Molecular consequence: missense variant.
Genome position (GRCh38, 1-based): chr7:1,473,084, C>T on the plus strand (G>A on the coding strand, the complement: INTS1 is on the minus strand). VCF-style: chr7-1473084-C-T. GRCh37 (hg19) VCF-style: chr7-1512720-C-T.
Other names: c.6058G>A (NM_001080453.2); c.2575G>A, p.Glu859Lys (NM_015674.1); short protein forms E2020K, E859K.
Identifiers: ClinVar variation 2657181 (VCV002657181.25), dbSNP rs201873966, ClinGen allele CA4118149.

ClinVar aggregate classification (germline): Likely benign. Review status: criteria provided, single submitter (1 of 4 stars). 2 submissions from 2 submitters: Likely benign (1). 1 of the submissions does not count toward it. Last evaluated 2026-04-01.

Conditions:
INTS1-related disorder. Also called: INTS1-related condition.

Allele frequency attached by ClinVar (database versions not stated): TOPMed 0.00118; 1000 Genomes Project 30x 0.00125; gnomAD exomes 0.00226; ExAC 0.00324; 1000 Genomes Project 0.00140; ESP Exome Variant Server 0.00178; gnomAD 0.00209.
gnomAD v4.1: 3,563 of 1,604,448 alleles (0.22%); highest among the groups gnomAD compares: Non-Finnish European, 0.21%; 12 homozygotes.

Submissions (2):

CeGaT Center for Human Genetics Tuebingen
Classification: Likely benign. Last evaluated: 2026-04-01. Review status: criteria provided, single submitter. Criteria: CeGaT Center For Human Genetics Tuebingen Variant Classification Criteria Version 2. Collection method: clinical testing. Allele origin: germline. Affected: yes. Observed: 3 variant alleles.
Comment: INTS1: BP4, BS2

PreventionGenetics, part of Exact Sciences
Classification: Benign for INTS1-related condition. Last evaluated: 2020-01-21. Review status: no assertion criteria provided. Collection method: clinical testing. Allele origin: germline. Not counted in ClinVar's aggregate classification.
Comment: This variant is classified as benign based on ACMG/AMP sequence variant interpretation guidelines (Richards et al. 2015 PMID: 25741868, with internal and published modifications).